The following is an entry in ClinVar:

ClinVar aggregate classification (germline): Uncertain significance. Review status: criteria provided, multiple submitters, no conflicts (2 of 4 stars). 3 submissions from 3 submitters: Uncertain significance (3). Last evaluated 2025-08-07.

Conditions:
RYR1-related disorder. Also called: RYR1-related disorders; RYR1-related condition. Identifiers: MedGen CN239331.
Malignant hyperthermia, susceptibility to, 1 (MHS1). Also called: Anesthesia related hyperthermia; Malignant hyperpyrexia; Fulminating hyperpyrexia; Pharmacogenic myopathy; Malignant hyperthermia suceptibility 1; RYR1-Related Malignant Hyperthermia Susceptibility. Identifiers: Orphanet 423, MedGen C2930980, MONDO:0007783, OMIM 145600.

Allele frequency attached by ClinVar (database versions not stated): gnomAD exomes below 0.00001 and 0.00001; gnomAD 0.00001; TOPMed 0.00001.
gnomAD v4.1: 16 of 1,613,944 alleles (0.00099%); highest among the groups gnomAD compares: African/African-American, 0.0013%; no homozygotes.

Submissions (3):

Color Diagnostics, LLC DBA Color Health
Classification: Uncertain significance for Malignant hyperthermia, susceptibility to, 1. Last evaluated: 2025-08-07. Review status: criteria provided, single submitter. Criteria: ACMG Guidelines, 2015. Collection method: clinical testing. Allele origin: germline.
Comment: This missense variant replaces serine with threonine at codon 3116 of the RYR1 protein. Computational prediction suggests that this variant may not impact protein structure and function. To our knowledge, functional studies have not been reported for this variant. This variant has not been reported in individuals affected with RYR1-related disorders in the literature. This variant has been identified in 1/251138 chromosomes in the general population by the Genome Aggregation Database (gnomAD). The available evidence is insufficient to determine the role of this variant in disease conclusively. Therefore, this variant is classified as a Variant of Uncertain Significance.

All of Us Research Program, National Institutes of Health
Classification: Uncertain significance for Malignant hyperthermia, susceptibility to, 1. Last evaluated: 2023-05-04. Review status: criteria provided, single submitter. Criteria: ACMG Guidelines, 2015. Collection method: clinical testing. Allele origin: germline. Inheritance: Autosomal dominant inheritance. Observed: 1 variant allele, 1 heterozygote.
Comment: This missense variant replaces serine with threonine at codon 3116 of the RYR1 protein. Computational prediction suggests that this variant may not impact protein structure and function (internally defined REVEL score threshold <= 0.5, PMID: 27666373). To our knowledge, functional studies have not been reported for this variant. This variant has not been reported in individuals affected with RYR1-related disorders in the literature. This variant has been identified in 1/251138 chromosomes in the general population by the Genome Aggregation Database (gnomAD). The available evidence is insufficient to determine the role of this variant in disease conclusively. Therefore, this variant is classified as a Variant of Uncertain Significance.

This study involves interpretation of variants in research participants for the purpose of population health screening. Participant phenotype was not available at the time of variant classification. Additional details can be found in publication PMID: 35346344, PMCID: PMC8962531

Labcorp Genetics (formerly Invitae), Labcorp
Classification: Uncertain significance for RYR1-related disorder. Last evaluated: 2021-09-01. Review status: criteria provided, single submitter. Criteria: Invitae Variant Classification Sherloc (09022015). Collection method: clinical testing. Allele origin: germline.
Comment: This sequence change replaces serine with threonine at codon 3116 of the RYR1 protein (p.Ser3116Thr). The serine residue is highly conserved and there is a small physicochemical difference between serine and threonine. This variant is not present in population databases (ExAC no frequency). This variant has not been reported in the literature in individuals affected with RYR1-related conditions. Algorithms developed to predict the effect of missense changes on protein structure and function are either unavailable or do not agree on the potential impact of this missense change (SIFT: "Deleterious"; PolyPhen-2: "Benign"; Align-GVGD: "Class C0"). Algorithms developed to predict the effect of sequence changes on RNA splicing suggest that this variant may create or strengthen a splice site. In summary, the available evidence is currently insufficient to determine the role of this variant in disease. Therefore, it has been classified as a Variant of Uncertain Significance.

NM_000540.3(RYR1):c.9346T>A (p.Ser3116Thr)

Gene: RYR1 (ryanodine receptor 1; plus strand). Cytogenetic location: 19q13.2.
Variant type: single nucleotide variant.
Coding change: c.9346T>A on transcript NM_000540.3 (MANE Select); coding-DNA position 9346, T replaced by A.
Protein change: p.Ser3116Thr; replaces serine 3116 with threonine.
Molecular consequence: missense variant.
Genome position (GRCh38, 1-based): chr19:38,512,357, T>A. VCF-style: chr19-38512357-T-A. GRCh37 (hg19) VCF-style: chr19-39002997-T-A.
Other names: c.9346T>A, p.Ser3116Thr (NM_001042723.2); short protein forms S3116T.
Identifiers: ClinVar variation 840063 (VCV000840063.8), dbSNP rs1336789605, ClinGen allele CA405687048.